The following is an entry in ClinVar:

ClinVar aggregate classification (germline): not provided (0 of 4 stars; one submission).

Conditions:
Choanal atresia-hearing loss-cardiac defects-craniofacial dysmorphism syndrome (BMKS). Also called: OCULOOTOFACIAL DYSPLASIA; Branchio oculo facial syndrome Hing type; Burn-McKeown Syndrome (BMKS); Burn-McKeown syndrome. Identifiers: Orphanet 1200, MedGen C1837822, MONDO:0012064, OMIM 608572.

Submission:

GeneReviews
No classification provided. Condition: Choanal atresia-hearing loss-cardiac defects-craniofacial dysmorphism syndrome. Review status: no classification provided. Collection method: literature only. Allele origin: germline. Affected: yes.
Comment: Complete deletion of exon 2, putatively truncating

Literature cited by the submitters: NCBI Bookshelf NBK373577.

NM_006701.5(TXNL4A):c.154-959_257+638del

Gene: TXNL4A (thioredoxin like 4A; minus strand). Cytogenetic location: 18q23.
Variant type: Deletion.
Coding change: c.154-959_257+638del on transcript NM_006701.5 (MANE Select); 959 bases into the intron before coding-DNA position 154 through 638 bases into the intron after coding-DNA position 257, 1,701 bases deleted.
Molecular consequence: splice acceptor variant, splice donor variant. On other transcripts: initiator codon variant (2).
Genome position (GRCh38, 1-based): chr18:79,976,960-79,978,660, 1,701 bases deleted. GRCh37 (hg19): chr18:77,736,966-77,738,666.
Other names: c.-60-959_44+638del (NM_001305564.2, NM_001305563.2); c.130-959_233+638del (NM_001305557.2); c.37-959_140+638del (NM_001303471.3).
Identifiers: ClinVar variation 253188 (VCV000253188.3), ClinGen allele CA10586230.